The following is an entry in ClinVar:

NM_001903.5(CTNNA1):c.2011-5C>T

Gene: CTNNA1 (catenin alpha 1; plus strand). Cytogenetic location: 5q31.2.
Variant type: single nucleotide variant.
Coding change: c.2011-5C>T on transcript NM_001903.5 (MANE Select); 5 bases into the intron before coding-DNA position 2011, C replaced by T.
Molecular consequence: intron variant.
Genome position (GRCh38, 1-based): chr5:138,930,468, C>T. VCF-style: chr5-138930468-C-T. GRCh37 (hg19) VCF-style: chr5-138266157-C-T.
Other names: c.2011-5C>T (NM_001323982.2, NM_001323984.2, NM_001290307.3 and 2 more transcripts); c.1918-5C>T (NM_001323986.2); c.1642-5C>T (NM_001290310.3); c.1702-5C>T (NM_001290309.3); c.901-5C>T (NM_001323996.1, NM_001323993.1, NM_001324005.1 and 17 more transcripts); c.562-5C>T (NM_001324007.1, NM_001324009.1, NM_001324006.1 and 2 more transcripts); c.658-5C>T (NM_001324013.1, NM_001324012.1); c.808-5C>T (NM_001324011.1).
Identifiers: ClinVar variation 4635510 (VCV004635510.1).

ClinVar aggregate classification (germline): Uncertain significance (1 of 4 stars; one submission).

Conditions:
Hereditary cancer-predisposing syndrome. Also called: Neoplastic Syndromes, Hereditary; Tumor predisposition; Hereditary Cancer Syndrome; Hereditary neoplastic syndrome. Identifiers: Orphanet 140162, MedGen C0027672, MeSH D009386, MONDO:0015356.

gnomAD v4.1: 1 of 1,606,600 alleles (0.000062%); highest among the groups gnomAD compares: Non-Finnish European, 0.000085%; no homozygotes.

Submission:

Ambry Genetics
Classification: Uncertain significance for Hereditary cancer-predisposing syndrome. Last evaluated: 2025-11-24. Review status: criteria provided, single submitter. Criteria: Ambry Variant Classification Scheme 2023. Collection method: clinical testing. Allele origin: germline.
Comment: The c.2011-5C>T intronic variant results from a C to T substitution 5 nucleotides upstream from coding exon 14 in the CTNNA1 gene. This nucleotide position is poorly conserved in available vertebrate species. In silico splice site analysis predicts that this alteration will not have any significant effect on splicing. Based on the available evidence, the clinical significance of this variant remains unclear.